The following is an entry in ClinVar:

NM_024598.4(USB1):c.78G>C (p.Pro26=)

Genes: USB1 (U6 snRNA biogenesis phosphodiesterase 1; plus strand), LOC130059131 (ATAC-STARR-seq lymphoblastoid active region 10920; plus strand). Cytogenetic location: 16q21.
Variant type: single nucleotide variant.
Coding change: c.78G>C on transcript NM_024598.4 (MANE Select); coding-DNA position 78, G replaced by C.
Protein change: p.Pro26=; no amino-acid change (proline 26 retained).
Molecular consequence: synonymous variant. On other transcripts: intron variant (1).
Genome position (GRCh38, 1-based): chr16:58,001,561, G>C. VCF-style: chr16-58001561-G-C. GRCh37 (hg19) VCF-style: chr16-58035465-G-C.
Other names: c.78G>C, p.Pro26= (NM_001195302.2, NM_001204911.2, NM_001330569.2); c.-55-918G>C (NM_001330568.2).
Identifiers: ClinVar variation 748273 (VCV000748273.17), dbSNP rs375706004, ClinGen allele CA8084782.

ClinVar aggregate classification (germline): Benign/Likely benign. Review status: criteria provided, multiple submitters, no conflicts (2 of 4 stars). 6 submissions from 6 submitters: Benign (1); Likely benign (4). 1 of the submissions does not count toward it. Last evaluated 2025-12-20.

Conditions:
Inborn genetic diseases. Identifiers: MedGen C0950123, MeSH D030342.
USB1-related disorder. Also called: USB1-related condition.

Allele frequency attached by ClinVar (database versions not stated): gnomAD 0.00008; gnomAD exomes 0.00012 and 0.00016; TOPMed 0.00013; ExAC 0.00014; ESP Exome Variant Server 0.00031.
gnomAD v4.1: 186 of 1,608,466 alleles (0.012%); highest among the groups gnomAD compares: Middle Eastern, 0.016%; no homozygotes.

Submissions (6):

Labcorp Genetics (formerly Invitae), Labcorp
Classification: Likely benign. Last evaluated: 2025-12-20. Review status: criteria provided, single submitter. Criteria: Invitae Variant Classification Sherloc (09022015). Collection method: clinical testing. Allele origin: germline.

Laboratory of Genetics, Children's Clinical University Hospital Latvia
Classification: Benign. Last evaluated: 2025-02-16. Review status: criteria provided, single submitter. Criteria: ACMG Guidelines, 2015. Collection method: clinical testing. Allele origin: germline. Affected: yes.

Blueprint Genetics
Classification: Likely benign. Last evaluated: 2024-11-06. Review status: criteria provided, single submitter. Criteria: ACMG Guidelines, 2015. Collection method: clinical testing. Allele origin: germline.

Ambry Genetics
Classification: Likely benign for Inborn genetic diseases. Last evaluated: 2024-10-02. Review status: criteria provided, single submitter. Criteria: Ambry Variant Classification Scheme 2023. Collection method: clinical testing. Allele origin: germline.

Genetic Services Laboratory, University of Chicago
Classification: Likely benign. Last evaluated: 2021-07-06. Review status: criteria provided, single submitter. Criteria: ACMG Guidelines, 2015. Collection method: clinical testing. Allele origin: germline. Affected: no.

PreventionGenetics, part of Exact Sciences
Classification: Likely benign for USB1-related condition. Last evaluated: 2022-05-11. Review status: no assertion criteria provided. Collection method: clinical testing. Allele origin: germline. Not counted in ClinVar's aggregate classification.
Comment: This variant is classified as likely benign based on ACMG/AMP sequence variant interpretation guidelines (Richards et al. 2015 PMID: 25741868, with internal and published modifications).